The following is an entry in ClinVar:

ClinVar aggregate classification (germline): Likely pathogenic. Review status: criteria provided, multiple submitters, no conflicts (2 of 4 stars). 2 submissions from 2 submitters: Likely pathogenic (2). Last evaluated 2024-04-15.

Conditions:
Nemaline myopathy 2 (NEM2). Also called: Nemaline myopathy 2, autosomal recessive. Identifiers: MedGen C1850569, MONDO:0009725, OMIM 256030.
Arthrogryposis multiplex congenita 6. Identifiers: MedGen C5543431, MONDO:0030281, OMIM 619334.

Submissions (2):

Natera, Inc.
Classification: Likely pathogenic for Nemaline myopathy type 2. Last evaluated: 2024-04-15. Review status: criteria provided, single submitter. Criteria: Natera Variant Classification Schema (03/2026). Collection method: clinical testing. Allele origin: germline.
Comment: The c.23122-12_23127delTTCATGATATAGAAAGAGinsAT variant in NEB is a deletion-insertion (delins) variant predicted to replace one or more nucleotides with a different sequence, affecting a canonical splice acceptor site. This variant is expected to result in nonsense mediated decay, truncation, or a dysfunctional protein product. This variant is rare in the general population with a frequency below the threshold expected for the associated phenotype(s). Given the available evidence, this variant is classified as Likely Pathogenic.

Fulgent Genetics
Classification: Likely pathogenic for Nemaline myopathy 2; Arthrogryposis multiplex congenita 6. Last evaluated: 2024-01-19. Review status: criteria provided, single submitter. Criteria: ACMG Guidelines, 2015. Collection method: clinical testing. Allele origin: germline.

NM_001164508.2(NEB):c.23017-12_23022delinsAT

Genes: NEB (nebulin; minus strand), RIF1 (replication timing regulatory factor 1; plus strand). Cytogenetic location: 2q23.3.
Variant type: Indel.
Coding change: c.23017-12_23022delinsAT on transcript NM_001164508.2 (MANE Select); 12 bases into the intron before coding-DNA position 23017 through coding-DNA position 23022, TTCATGATATAGAAAGAG replaced by AT.
Molecular consequence: splice acceptor variant.
Genome position (GRCh38, 1-based): chr2:151,514,423-151,514,440, CTCTTTCTATATCATGAA replaced by AT on the plus strand (TTCATGATATAGAAAGAG replaced by AT on the coding strand, the reverse complement: NEB is on the minus strand). VCF-style: chr2-151514423-CTCTTTCTATATCATGAA-AT. GRCh37 (hg19) VCF-style: chr2-152370937-CTCTTTCTATATCATGAA-AT.
Other names: c.17914-12_17919delinsAT (NM_004543.5); c.23017-12_23022delinsAT (NM_001164507.2); c.23122-12_23127delinsAT (NM_001271208.2); c.23122-12_23127delTTCATGATATAGAAAGAGinsAT (NM_001271208.1).
Identifiers: ClinVar variation 3584414 (VCV003584414.2).
Genomic context (GRCh38, chr2:151,514,423, plus strand): 5'-TGTATCTTCCATTTCAGTGAGGCCCTTCCCACGGATGCTTTCCTCTAGATCTTTCCTGTA[CTCTTTCTATATCATGAA>AT]AGAAAAGCAACAACATTGACAAGAAAGCCCAGATTGATTCTCTCAGGCAAAGAAGAAAAT-3'